The following is an entry in ClinVar:

NM_012330.4(KAT6B):c.3341C>A (p.Thr1114Lys)

Gene: KAT6B (lysine acetyltransferase 6B; plus strand). Cytogenetic location: 10q22.2.
Variant type: single nucleotide variant.
Coding change: c.3341C>A on transcript NM_012330.4 (MANE Select); coding-DNA position 3341, C replaced by A.
Protein change: p.Thr1114Lys; replaces threonine 1114 with lysine.
Molecular consequence: missense variant.
Genome position (GRCh38, 1-based): chr10:75,022,200, C>A. VCF-style: chr10-75022200-C-A. GRCh37 (hg19) VCF-style: chr10-76781958-C-A.
Other names: c.2792C>A, p.Thr931Lys (NM_001256468.2, NM_001370138.1); c.2465C>A, p.Thr822Lys (NM_001256469.2, NM_001370139.1, NM_001370140.1 and 2 more transcripts); c.2303C>A, p.Thr768Lys (NM_001370132.1); c.1652C>A, p.Thr551Lys (NM_001370133.1); c.1256C>A, p.Thr419Lys (NM_001370134.1); c.998C>A, p.Thr333Lys (NM_001370135.1); c.3341C>A, p.Thr1114Lys (NM_001370136.1, NM_001370137.1); c.2276C>A, p.Thr759Lys (NM_001370143.1, NM_001370144.1); short protein forms T333K, T419K, T768K, T822K, T759K, T1114K, T551K, T931K.
Identifiers: ClinVar variation 2058917 (VCV002058917.4), dbSNP rs755451488, ClinGen allele CA5564804.

ClinVar aggregate classification (germline): Uncertain significance (1 of 4 stars; one submission).

Conditions:
Genitopatellar syndrome (GTPTS). Also called: Genitopatellar syndrome (GPS); ABSENT PATELLAE, SCROTAL HYPOPLASIA, RENAL ANOMALIES, FACIAL DYSMORPHISM, AND MENTAL RETARDATION. Identifiers: Orphanet 85201, MedGen C1853566, MONDO:0011640, OMIM 606170.

Submission:

Labcorp Genetics (formerly Invitae), Labcorp
Classification: Uncertain significance for Genitopatellar syndrome. Last evaluated: 2025-05-14. Review status: criteria provided, single submitter. Criteria: Invitae Variant Classification Sherloc (09022015). Collection method: clinical testing. Allele origin: germline.
Comment: This sequence change replaces threonine, which is neutral and polar, with lysine, which is basic and polar, at codon 1114 of the KAT6B protein (p.Thr1114Lys). This variant is present in population databases (rs755451488, gnomAD 0.04%). This variant has not been reported in the literature in individuals affected with KAT6B-related conditions. ClinVar contains an entry for this variant (Variation ID: 2058917). Invitae Evidence Modeling of protein sequence and biophysical properties (such as structural, functional, and spatial information, amino acid conservation, physicochemical variation, residue mobility, and thermodynamic stability) has been performed for this missense variant. However, the output from this modeling did not meet the statistical confidence thresholds required to predict the impact of this variant on KAT6B protein function. In summary, the available evidence is currently insufficient to determine the role of this variant in disease. Therefore, it has been classified as a Variant of Uncertain Significance.